The following is an entry in ClinVar:

ClinVar aggregate classification (germline): Uncertain significance (1 of 4 stars; one submission).

Conditions:
Candidiasis, familial, 6 (CANDF6). Also called: Candidiasis, familial, 6, autosomal dominant. Identifiers: Orphanet 1334, MedGen C3151405, MONDO:0013503, OMIM 613956.

Allele frequency attached by ClinVar (database versions not stated): gnomAD 0.00001; gnomAD exomes 0.00003 and 0.00006; ExAC 0.00006.
gnomAD v4.1: 48 of 1,614,058 alleles (0.003%); highest among the groups gnomAD compares: South Asian, 0.052%; 2 homozygotes.

Submission:

Labcorp Genetics (formerly Invitae), Labcorp
Classification: Uncertain significance for Candidiasis, familial, 6. Last evaluated: 2022-07-06. Review status: criteria provided, single submitter. Criteria: Invitae Variant Classification Sherloc (09022015). Collection method: clinical testing. Allele origin: germline.
Comment: This sequence change replaces threonine, which is neutral and polar, with isoleucine, which is neutral and non-polar, at codon 153 of the IL17F protein (p.Thr153Ile). This variant is present in population databases (rs769299818, gnomAD 0.05%). This variant has not been reported in the literature in individuals affected with IL17F-related conditions. ClinVar contains an entry for this variant (Variation ID: 1019128). Algorithms developed to predict the effect of missense changes on protein structure and function (SIFT, PolyPhen-2, Align-GVGD) all suggest that this variant is likely to be disruptive. In summary, the available evidence is currently insufficient to determine the role of this variant in disease. Therefore, it has been classified as a Variant of Uncertain Significance.

NM_052872.4(IL17F):c.458C>T (p.Thr153Ile)

Gene: IL17F (interleukin 17F; minus strand). Cytogenetic location: 6p12.2.
Variant type: single nucleotide variant.
Coding change: c.458C>T on transcript NM_052872.4 (MANE Select); coding-DNA position 458, C replaced by T.
Protein change: p.Thr153Ile; replaces threonine 153 with isoleucine.
Molecular consequence: missense variant.
Genome position (GRCh38, 1-based): chr6:52,236,965, G>A on the plus strand (C>T on the coding strand, the complement: IL17F is on the minus strand). VCF-style: chr6-52236965-G-A. GRCh37 (hg19) VCF-style: chr6-52101763-G-A.
Other names: short protein forms T153I.
Identifiers: ClinVar variation 1019128 (VCV001019128.8), dbSNP rs769299818, ClinGen allele CA3854350.